The following is an entry in ClinVar:

NM_006393.3(NEBL):c.161A>T (p.Tyr54Phe)

Gene: NEBL (nebulette; minus strand). Cytogenetic location: 10p12.31.
Variant type: single nucleotide variant.
Coding change: c.161A>T on transcript NM_006393.3 (MANE Select); coding-DNA position 161, A replaced by T.
Protein change: p.Tyr54Phe; replaces tyrosine 54 with phenylalanine.
Molecular consequence: missense variant. On other transcripts: intron variant (9).
Genome position (GRCh38, 1-based): chr10:20,889,942, T>A on the plus strand (A>T on the coding strand, the complement: NEBL is on the minus strand). VCF-style: chr10-20889942-T-A. GRCh37 (hg19) VCF-style: chr10-21178871-T-A.
Other names: c.249+71730A>T (NM_001377326.1, NM_001377327.1, NM_001377328.1); c.357+71730A>T (NM_213569.2, NM_001173484.2, NM_001377322.1); c.300+71730A>T (NM_001377324.1); c.291+71730A>T (NM_001377325.1); c.309+71730A>T (NM_001377323.1); short protein forms Y54F.
Identifiers: ClinVar variation 1714949 (VCV001714949.6), dbSNP rs145025995, ClinGen allele CA376096823.

ClinVar aggregate classification (germline): Uncertain significance (1 of 4 stars; one submission).

Conditions:
Primary dilated cardiomyopathy (DCM). Also called: Dilated Cardiomyopathy. Identifiers: Orphanet 217604, MedGen C0007193, MeSH D002311, MONDO:0005021, HP:0001644. Inheritance: Various modes of inheritance.

Submission:

Labcorp Genetics (formerly Invitae), Labcorp
Classification: Uncertain significance for Primary dilated cardiomyopathy. Last evaluated: 2022-08-03. Review status: criteria provided, single submitter. Criteria: Invitae Variant Classification Sherloc (09022015). Collection method: clinical testing. Allele origin: germline.
Comment: This sequence change replaces tyrosine, which is neutral and polar, with phenylalanine, which is neutral and non-polar, at codon 54 of the NEBL protein (p.Tyr54Phe). This variant is not present in population databases (gnomAD no frequency). This variant has not been reported in the literature in individuals affected with NEBL-related conditions. Algorithms developed to predict the effect of missense changes on protein structure and function are either unavailable or do not agree on the potential impact of this missense change (SIFT: "Tolerated"; PolyPhen-2: "Probably Damaging"; Align-GVGD: "Class C0"). In summary, the available evidence is currently insufficient to determine the role of this variant in disease. Therefore, it has been classified as a Variant of Uncertain Significance.